The following is an entry in ClinVar:

NM_183075.3(CYP2U1):c.322G>A (p.Ala108Thr)

Genes: CYP2U1 (cytochrome P450 family 2 subfamily U member 1; plus strand), CYP2U1-AS1 (CYP2U1 and SGMS2 antisense RNA 1; minus strand). Cytogenetic location: 4q25.
Variant type: single nucleotide variant.
Coding change: c.322G>A on transcript NM_183075.3 (MANE Select); coding-DNA position 322, G replaced by A.
Protein change: p.Ala108Thr; replaces alanine 108 with threonine.
Molecular consequence: missense variant.
Genome position (GRCh38, 1-based): chr4:107,931,965, G>A. VCF-style: chr4-107931965-G-A. GRCh37 (hg19) VCF-style: chr4-108853121-G-A.
Other names: short protein forms A108T.
Identifiers: ClinVar variation 1443134 (VCV001443134.6), dbSNP rs770267485, ClinGen allele CA3036969.
Genomic context (GRCh38, chr4:107,931,965, plus strand): 5'-AGCAGCAGGACCAGGGCCGCAGGGATTGATCCCTCGGTCATAGGCCCGCAGGTGCTCCTG[G>A]CTCACCTAGCCCGCGTGTACGGCAGCATCTTCAGCTTCTTTATCGGCCACTACCTGGTGG-3'
Protein context (NP_898898.1, residues 98-118): PSVIGPQVLL[Ala108Thr]HLARVYGSIF

ClinVar aggregate classification (germline): Uncertain significance (1 of 4 stars; one submission).

Conditions:
Spastic paraplegia. Identifiers: MedGen C0037772, HP:0001258.

Allele frequency attached by ClinVar (database versions not stated): gnomAD exomes below 0.00001; gnomAD 0.00003 and 0.00004; TOPMed 0.00005.
gnomAD v4.1: 11 of 1,551,718 alleles (0.00071%); highest among the groups gnomAD compares: Admixed American, 0.0098%; no homozygotes.

Submission:

Labcorp Genetics (formerly Invitae), Labcorp
Classification: Uncertain significance for Spastic paraplegia. Last evaluated: 2021-04-28. Review status: criteria provided, single submitter. Criteria: Invitae Variant Classification Sherloc (09022015). Collection method: clinical testing. Allele origin: germline.
Comment: This sequence change replaces alanine with threonine at codon 108 of the CYP2U1 protein (p.Ala108Thr). The alanine residue is moderately conserved and there is a small physicochemical difference between alanine and threonine. In summary, the available evidence is currently insufficient to determine the role of this variant in disease. Therefore, it has been classified as a Variant of Uncertain Significance. Advanced modeling of protein sequence and biophysical properties (such as structural, functional, and spatial information, amino acid conservation, physicochemical variation, residue mobility, and thermodynamic stability) performed at Invitae indicates that this missense variant is not expected to disrupt CYP2U1 protein function. This variant has not been reported in the literature in individuals with CYP2U1-related conditions. The frequency data for this variant in the population databases is considered unreliable, as metrics indicate poor data quality at this position in the ExAC database.